The following is an entry in ClinVar:

ClinVar aggregate classification (germline): Uncertain significance (1 of 4 stars; one submission).

Conditions:
Autoimmune lymphoproliferative syndrome type 1. Also called: AUTOIMMUNE LYMPHOPROLIFERATIVE SYNDROME, TYPE I, AUTOSOMAL DOMINANT. Identifiers: Orphanet 3261, MedGen C2717884, MONDO:0011158, OMIM 601859.

Allele frequency attached by ClinVar (database versions not stated): gnomAD exomes 0.00001 and below 0.00001; TOPMed below 0.00001.

Submission:

Labcorp Genetics (formerly Invitae), Labcorp
Classification: Uncertain significance for Autoimmune lymphoproliferative syndrome. Last evaluated: 2021-07-28. Review status: criteria provided, single submitter. Criteria: Invitae Variant Classification Sherloc (09022015). Collection method: clinical testing. Allele origin: germline.
Comment: This sequence change replaces proline with leucine at codon 40 of the FASLG protein (p.Pro40Leu). The proline residue is moderately conserved and there is a moderate physicochemical difference between proline and leucine. This variant is not present in population databases (ExAC no frequency). This variant has not been reported in the literature in individuals affected with FASLG-related conditions. Algorithms developed to predict the effect of missense changes on protein structure and function are either unavailable or do not agree on the potential impact of this missense change (SIFT: "Tolerated"; PolyPhen-2: "Possibly Damaging"; Align-GVGD: "Class C0"). In summary, the available evidence is currently insufficient to determine the role of this variant in disease. Therefore, it has been classified as a Variant of Uncertain Significance.

NM_000639.3(FASLG):c.119C>T (p.Pro40Leu)

Gene: FASLG (Fas ligand; plus strand). Cytogenetic location: 1q24.3.
Variant type: single nucleotide variant.
Coding change: c.119C>T on transcript NM_000639.3 (MANE Select); coding-DNA position 119, C replaced by T.
Protein change: p.Pro40Leu; replaces proline 40 with leucine.
Molecular consequence: missense variant.
Genome position (GRCh38, 1-based): chr1:172,659,320, C>T. VCF-style: chr1-172659320-C-T. GRCh37 (hg19) VCF-style: chr1-172628460-C-T.
Other names: c.119C>T, p.Pro40Leu (NM_001302746.2); short protein forms P40L.
Identifiers: ClinVar variation 1498231 (VCV001498231.5), dbSNP rs1256138927, ClinGen allele CA343805139.
Genomic context (GRCh38, chr1:172,659,320, plus strand): 5'-GCTCTCCCTGGGCCCCTCCAGGCACAGTTCTTCCCTGTCCAACCTCTGTGCCCAGAAGGC[C>T]TGGTCAAAGGAGGCCACCACCACCACCGCCACCGCCACCACTACCACCTCCGCCGCCGCC-3'
Protein context (NP_000630.1, residues 30-50): LPCPTSVPRR[Pro40Leu]GQRRPPPPPP